The following is an entry in ClinVar:

ClinVar aggregate classification (germline): Pathogenic. Review status: criteria provided, multiple submitters, no conflicts (2 of 4 stars). 5 submissions from 5 submitters: Pathogenic (5). Last evaluated 2025-04-14.

Conditions:
Long QT syndrome 8. Identifiers: MedGen CN260585, MONDO:0032756, OMIM 618447.
Cardiovascular phenotype. Identifiers: MedGen CN230736.
Timothy syndrome (TS). Also called: LONG QT SYNDROME WITH SYNDACTYLY. Identifiers: Orphanet 65283, MedGen C1832916, MeSH C536962, MONDO:0010979, OMIM 601005.
Long QT syndrome (LQTS). Identifiers: MedGen C0023976, MeSH D008133, MONDO:0002442. Disease mechanism: loss of function. Inheritance: Various modes of inheritance.

Allele frequency attached by ClinVar (database versions not stated): gnomAD exomes below 0.00001.
gnomAD v4.1: 1 of 1,602,188 alleles (0.000062%); highest among the groups gnomAD compares: Non-Finnish European, 0.000086%; no homozygotes.

Submissions (5):

3billion
Classification: Pathogenic for Timothy syndrome. Last evaluated: 2025-04-14. Review status: criteria provided, single submitter. Criteria: ACMG Guidelines, 2015. Collection method: clinical testing. Allele origin: germline. Affected: yes.
Comment: The variant is observed at an extremely low frequency in the gnomAD v4.1.0 dataset (total allele frequency: <0.001%). Predicted Consequence/Location: Missense variant. Missense changes are a common disease-causing mechanism. Functional studies provide strong evidence of the variant having a damaging effect on the gene or gene product (PMID: 15863612, 26822303). In silico tool predictions suggest damaging effect of the variant on gene or gene product [REVEL: 0.95 (>=0.6, sensitivity 0.68 and specificity 0.92); 3Cnet: 0.88 (> 0.75, sensitivity 0.96 and precision 0.92)]. The same nucleotide change resulting in the same amino acid change has been previously reported as pathogenic/likely pathogenic with strong evidence (ClinVar ID: VCV000155775). The variant has been observed in at least two similarly affected unrelated individuals (PMID: 15863612, 24773605, 25691416). Therefore, this variant is classified as Pathogenic according to the recommendation of ACMG/AMP guideline.

Labcorp Genetics (formerly Invitae), Labcorp
Classification: Pathogenic for Long QT syndrome. Last evaluated: 2024-05-20. Review status: criteria provided, single submitter. Criteria: Invitae Variant Classification Sherloc (09022015). Collection method: clinical testing. Allele origin: germline.
Comment: The CACNA1C gene has multiple clinically relevant transcripts. This variant occurs in alternate transcript NM_001129840.1, and corresponds to NM_000719.6:c.1114-316G>A in the primary transcript. This sequence change replaces glycine, which is neutral and non-polar, with serine, which is neutral and polar, at codon 402 of the CACNA1C protein (p.Gly402Ser). This variant is not present in population databases (gnomAD no frequency). This missense change has been observed in individual(s) with atypical Timothy syndrome (TS2) (PMID: 15863612, 23979604, 24773605, 25691416). In at least one individual the variant was observed to be de novo. ClinVar contains an entry for this variant (Variation ID: 155775). Algorithms developed to predict the effect of variants on gene product structure and function are not available or were not evaluated for this variant. Experimental studies have shown that this missense change affects CACNA1C function (PMID: 15863612, 21685391, 26822303). Algorithms developed to predict the effect of sequence changes on RNA splicing suggest that this variant is not likely to affect RNA splicing. For these reasons, this variant has been classified as Pathogenic.

Baylor Genetics
Classification: Pathogenic for Long QT syndrome 8. Last evaluated: 2023-05-25. Review status: criteria provided, single submitter. Criteria: ACMG Guidelines, 2015. Collection method: clinical testing. Allele origin: unknown.

GeneDx
Classification: Pathogenic. Last evaluated: 2023-05-08. Review status: criteria provided, single submitter. Criteria: GeneDx Variant Classification Process June 2021. Collection method: clinical testing. Allele origin: germline. Affected: yes.
Comment: Published functional studies demonstrate a damaging effect as channel inactivation was reduced, leading to maintained depolarizing L-type calcium currents (Splawski et al., 2005); Not observed at significant frequency in large population cohorts (gnomAD); In silico analysis supports a deleterious effect on splicing; This variant is associated with the following publications: (PMID: 29032884, 21685391, 23979604, 28807990, 28341588, 26822303, 15863612, 31408100, 25691416, 24773605)

Molecular Diagnostic Laboratory for Inherited Cardiovascular Disease, Montreal Heart Institute
Classification: Pathogenic for Cardiovascular phenotype. Last evaluated: 2022-10-06. Review status: criteria provided, single submitter. Criteria: ACMG Guidelines, 2015. Collection method: clinical testing. Allele origin: germline. Affected: yes.

Literature cited by the submitters: PubMed 15863612 (cited by 3billion and Labcorp Genetics (formerly Invitae), Labcorp); PubMed 24773605 (cited by 3billion and Labcorp Genetics (formerly Invitae), Labcorp); PubMed 25691416 (cited by 3billion and Labcorp Genetics (formerly Invitae), Labcorp); PubMed 26822303 (cited by 3billion and Labcorp Genetics (formerly Invitae), Labcorp); PubMed 23979604 (cited by Labcorp Genetics (formerly Invitae), Labcorp); PubMed 21685391 (cited by Labcorp Genetics (formerly Invitae), Labcorp).

NM_001167623.2(CACNA1C):c.1204G>A (p.Gly402Ser)

Gene: CACNA1C (calcium voltage-gated channel subunit alpha1 C; plus strand). Cytogenetic location: 12p13.33.
Variant type: single nucleotide variant.
Coding change: c.1204G>A on transcript NM_001167623.2 (MANE Plus Clinical); coding-DNA position 1204, G replaced by A.
Protein change: p.Gly402Ser; replaces glycine 402 with serine.
Molecular consequence: missense variant. On other transcripts: intron variant (19).
Genome position (GRCh38, 1-based): chr12:2,504,526, G>A. VCF-style: chr12-2504526-G-A. GRCh37 (hg19) VCF-style: chr12-2613692-G-A.
Other names: p.G402S:GGT>AGT; c.1204G>A, p.Gly402Ser (NM_001129840.2, NM_001167624.3, NM_001167625.2); c.1114-316G>A (NM_199460.4, NM_001129827.2, NM_001129832.2 and 15 more transcripts); c.1105-316G>A (NM_001129844.2); short protein forms G402S.
Identifiers: ClinVar variation 155775 (VCV000155775.19), dbSNP rs587782933, ClinGen allele CA301236.
Genomic context (GRCh38, chr12:2,504,526, plus strand): 5'-TGGGTGTATTTTGTCAGTCTGGTCATCTTTGGATCCTTTTTCGTTCTAAATCTGGTTCTC[G>A]GTGTGTTGAGCGGGTAAGCTGACCGTTTCTATGTCCTCTCCACAACGCAGCCGAGCAAGG-3'
Protein context (NP_001161095.1, residues 392-412): GSFFVLNLVL[Gly402Ser]VLSGEFSKER